The following is an entry in ClinVar:

ClinVar aggregate classification (germline): Uncertain significance. Review status: criteria provided, multiple submitters, no conflicts (2 of 4 stars). 8 submissions from 8 submitters: Uncertain significance (8). Last evaluated 2025-08-31.

Conditions:
PRKAG2-related disorder. Also called: PRKAG2-related disorders; PRKAG2-related condition.
Cardiovascular phenotype. Identifiers: MedGen CN230736.
Cardiomyopathy (CMYO). Also called: Cardiomyopathies. Identifiers: Orphanet 167848, MedGen C0878544, MONDO:0004994, HP:0001638. Inheritance: Various modes of inheritance.
Lethal congenital glycogen storage disease of heart. Also called: GLYCOGEN STORAGE DISEASE OF HEART; PHOSPHORYLASE KINASE DEFICIENCY OF HEART. Identifiers: Orphanet 439854, MedGen C1849813, MONDO:0009867, OMIM 261740.
Hypertrophic cardiomyopathy. Also called: HYPERTROPHIC MYOCARDIOPATHY. Identifiers: Orphanet 217569, MedGen C0007194, MeSH D002312, MONDO:0005045, HP:0001639.

Allele frequency attached by ClinVar (database versions not stated): TOPMed below 0.00001; ExAC 0.00001; gnomAD 0.00001; gnomAD exomes 0.00001.
gnomAD v4.1: 16 of 1,614,080 alleles (0.00099%); highest among the groups gnomAD compares: Non-Finnish European, 0.0014%; no homozygotes.

Submissions (8):

Labcorp Genetics (formerly Invitae), Labcorp
Classification: Uncertain significance for Lethal congenital glycogen storage disease of heart. Last evaluated: 2025-08-31. Review status: criteria provided, single submitter. Criteria: Invitae Variant Classification Sherloc (09022015). Collection method: clinical testing. Allele origin: germline.
Comment: This sequence change replaces serine, which is neutral and polar, with phenylalanine, which is neutral and non-polar, at codon 196 of the PRKAG2 protein (p.Ser196Phe). This variant is present in population databases (rs267601424, gnomAD 0.002%). This variant has not been reported in the literature in individuals affected with PRKAG2-related conditions. ClinVar contains an entry for this variant (Variation ID: 76800). Invitae Evidence Modeling of protein sequence and biophysical properties (such as structural, functional, and spatial information, amino acid conservation, physicochemical variation, residue mobility, and thermodynamic stability) indicates that this missense variant is not expected to disrupt PRKAG2 protein function with a negative predictive value of 95%. In summary, the available evidence is currently insufficient to determine the role of this variant in disease. Therefore, it has been classified as a Variant of Uncertain Significance.

Color Diagnostics, LLC DBA Color Health
Classification: Uncertain significance for Cardiomyopathy. Last evaluated: 2025-08-27. Review status: criteria provided, single submitter. Criteria: ACMG Guidelines, 2015. Collection method: clinical testing. Allele origin: germline.
Comment: This missense variant replaces serine with phenylalanine at codon 196 of the PRKAG2 protein. Computational prediction suggests that this variant may not impact protein structure and function. To our knowledge, functional studies have not been reported for this variant. This variant has not been reported in individuals affected with PRKAG2-related disorders in the literature. This variant has been identified in 3/251458 chromosomes in the general population by the Genome Aggregation Database (gnomAD). The available evidence is insufficient to determine the role of this variant in disease conclusively. Therefore, this variant is classified as a Variant of Uncertain Significance.

PreventionGenetics, part of Exact Sciences
Classification: Uncertain significance for PRKAG2-related condition. Last evaluated: 2025-04-23. Review status: criteria provided, single submitter. Criteria: ACMG Guidelines, 2015. Collection method: clinical testing. Allele origin: germline.
Comment: The PRKAG2 c.587C>T variant is predicted to result in the amino acid substitution p.Ser196Phe. To our knowledge, this variant has not been reported in the literature. This variant is reported in 0.0026% of alleles in individuals of European (Non-Finnish) descent in gnomAD. At this time, the clinical significance of this variant is uncertain due to the absence of conclusive functional and genetic evidence.

Ambry Genetics
Classification: Uncertain significance for Cardiovascular phenotype. Last evaluated: 2024-12-22. Review status: criteria provided, single submitter. Criteria: Ambry Variant Classification Scheme 2023. Collection method: clinical testing. Allele origin: germline.

All of Us Research Program, National Institutes of Health
Classification: Uncertain significance for Hypertrophic cardiomyopathy. Last evaluated: 2024-01-03. Review status: criteria provided, single submitter. Criteria: ACMG Guidelines, 2015. Collection method: clinical testing. Allele origin: germline. Inheritance: Autosomal dominant inheritance. Observed: 7 variant alleles, 7 heterozygotes.
Comment: This missense variant replaces serine with phenylalanine at codon 196 of the PRKAG2 protein. Computational prediction suggests that this variant may not impact protein structure and function (internally defined REVEL score threshold <= 0.5, PMID: 27666373). To our knowledge, functional studies have not been reported for this variant. This variant has not been reported in individuals affected with PRKAG2-related disorders in the literature. This variant has been identified in 3/251458 chromosomes in the general population by the Genome Aggregation Database (gnomAD). The available evidence is insufficient to determine the role of this variant in disease conclusively. Therefore, this variant is classified as a Variant of Uncertain Significance.

This study involves interpretation of variants in research participants for the purpose of population health screening. Participant phenotype was not available at the time of variant classification. Additional details can be found in publication PMID: 35346344, PMCID: PMC8962531

Blueprint Genetics
Classification: Uncertain significance. Last evaluated: 2024-01-03. Review status: criteria provided, single submitter. Criteria: ACMG Guidelines, 2015. Collection method: clinical testing. Allele origin: germline.

CHEO Genetics Diagnostic Laboratory, Children's Hospital of Eastern Ontario
Classification: Uncertain significance for Cardiomyopathy. Last evaluated: 2019-08-21. Review status: criteria provided, single submitter. Criteria: ACMG Guidelines, 2015. Collection method: clinical testing. Allele origin: germline.

GeneDx
Classification: Uncertain significance. Last evaluated: 2013-02-11. Review status: criteria provided, single submitter. Criteria: GeneDx Variant Classification (06012015). Collection method: clinical testing. Allele origin: germline. Affected: yes.
Comment: p.Ser196Phe (TCC>TTC): c.587 C>T in exon 4 of the PRKAG2 gene (NM_016203.3) The Ser196Phe variant in the PRKAG2 gene has not been reported as a disease-causing mutation or as a benign polymorphism to our knowledge. Although Ser196Phe results in a non-conservative amino acid substitution of a polar Serine with a non-polar Phenylalanine, it occurs at a position that is not well conserved across species. Also, no mutations in nearby codons have been reported in association with WPW, indicating this region of the protein may be tolerant of change. Nevertheless, the Ser196Phe variant was not observed in approximately 6,500 individuals of European and African American ancestry in the NHLBI Exome Sequencing Project, indicating it is not a common benign variant in these populations.With the clinical and molecular information available at this time, we cannot definitively determine if Ser196Phe is a disease-causing mutation or a rare benign variant. The pathogenic role for this variant would be supported if it co-segregates with a HCM or WPW phenotype. The variant is found in HCM panel(s).

NM_016203.4(PRKAG2):c.587C>T (p.Ser196Phe)

Gene: PRKAG2 (protein kinase AMP-activated non-catalytic subunit gamma 2; minus strand). Cytogenetic location: 7q36.1.
Variant type: single nucleotide variant.
Coding change: c.587C>T on transcript NM_016203.4 (MANE Select); coding-DNA position 587, C replaced by T.
Protein change: p.Ser196Phe; replaces serine 196 with phenylalanine.
Molecular consequence: missense variant.
Genome position (GRCh38, 1-based): chr7:151,675,517, G>A on the plus strand (C>T on the coding strand, the complement: PRKAG2 is on the minus strand). VCF-style: chr7-151675517-G-A. GRCh37 (hg19) VCF-style: chr7-151372603-G-A.
Other names: p.S196F:TCC>TTC; c.455C>T, p.Ser152Phe (NM_001040633.2); c.215C>T, p.Ser72Phe (NM_001304527.2, NM_001363698.2); short protein forms S196F, S152F, S72F.
Identifiers: ClinVar variation 76800 (VCV000076800.20), dbSNP rs267601424, ClinGen allele CA013480.